The following is an entry in ClinVar:

NM_001112741.2(KCNC1):c.1504+29C>T

Gene: KCNC1 (potassium voltage-gated channel subfamily C member 1; plus strand). Cytogenetic location: 11p15.1.
Variant type: single nucleotide variant.
Coding change: c.1504+29C>T on transcript NM_001112741.2 (MANE Select); 29 bases into the intron after coding-DNA position 1504, C replaced by T.
Molecular consequence: intron variant. On other transcripts: synonymous variant (1).
Genome position (GRCh38, 1-based): chr11:17,772,627, C>T. VCF-style: chr11-17772627-C-T. GRCh37 (hg19) VCF-style: chr11-17794174-C-T.
Other names: c.1533C>T, p.Ile511= (NM_004976.4).
Identifiers: ClinVar variation 1224729 (VCV001224729.6), dbSNP rs139606715, ClinGen allele CA5906821.
Genomic context (GRCh38, chr11:17,772,627, plus strand): 5'-CCAGGAAGAAATTTTAGAAATTAACAGAGCAGGTAGGAAACCTCTTAGAGGCATGTCGAT[C>T]TGACCTTTCACCTCTGCCCCCTGTAGCGATGATTCCAGATCCAGTCAGACTGCTTCCTTA-3'

ClinVar aggregate classification (germline): Benign/Likely benign. Review status: criteria provided, multiple submitters, no conflicts (2 of 4 stars). 3 submissions from 3 submitters: Benign (1); Likely benign (1). 1 of the submissions does not count toward it. Last evaluated 2024-11-23.

Conditions:
KCNC1-related disorder. Also called: KCNC1-Related Disorders; KCNC1-related condition. Identifiers: MedGen CN381541.

Allele frequency attached by ClinVar (database versions not stated): ESP Exome Variant Server 0.00015; ExAC 0.00020; gnomAD exomes 0.00021 and 0.00026; gnomAD 0.00045 and 0.00046; TOPMed 0.00045.

Submissions (3):

Blueprint Genetics
Classification: Likely benign. Last evaluated: 2024-11-23. Review status: criteria provided, single submitter. Criteria: ACMG Guidelines, 2015. Collection method: clinical testing. Allele origin: germline.

GeneDx
Classification: Benign. Last evaluated: 2020-04-17. Review status: criteria provided, single submitter. Criteria: GeneDx Variant Classification Process June 2021. Collection method: clinical testing. Allele origin: germline. Affected: yes.

PreventionGenetics, part of Exact Sciences
Classification: Likely benign for KCNC1-related condition. Last evaluated: 2019-05-21. Review status: no assertion criteria provided. Collection method: clinical testing. Allele origin: germline. Not counted in ClinVar's aggregate classification.
Comment: This variant is classified as likely benign based on ACMG/AMP sequence variant interpretation guidelines (Richards et al. 2015 PMID: 25741868, with internal and published modifications).